The following is an entry in ClinVar:

NM_181486.4(TBX5):c.289A>G (p.Lys97Glu)

Gene: TBX5 (T-box transcription factor 5; minus strand). Cytogenetic location: 12q24.21.
Variant type: single nucleotide variant.
Coding change: c.289A>G on transcript NM_181486.4 (MANE Select); coding-DNA position 289, A replaced by G.
Protein change: p.Lys97Glu; replaces lysine 97 with glutamic acid.
Molecular consequence: missense variant.
Genome position (GRCh38, 1-based): chr12:114,399,586, T>C on the plus strand (A>G on the coding strand, the complement: TBX5 is on the minus strand). VCF-style: chr12-114399586-T-C. GRCh37 (hg19) VCF-style: chr12-114837391-T-C.
Other names: c.289A>G, p.Lys97Glu (NM_000192.3); c.139A>G, p.Lys47Glu (NM_080717.4); short protein forms K47E, K97E.
Identifiers: ClinVar variation 1797384 (VCV001797384.2), dbSNP rs749255660, ClinGen allele CA6809648.

ClinVar aggregate classification (germline): Uncertain significance (1 of 4 stars; one submission).

Conditions:
Cardiovascular phenotype. Identifiers: MedGen CN230736.

Allele frequency attached by ClinVar (database versions not stated): gnomAD exomes below 0.00001; ExAC 0.00001.

Submission:

Ambry Genetics
Classification: Uncertain significance for Cardiovascular phenotype. Last evaluated: 2022-10-24. Review status: criteria provided, single submitter. Criteria: Ambry Variant Classification Scheme 2023. Collection method: clinical testing. Allele origin: germline.
Comment: The p.K97E variant (also known as c.289A>G), located in coding exon 3 of the TBX5 gene, results from an A to G substitution at nucleotide position 289. The lysine at codon 97 is replaced by glutamic acid, an amino acid with similar properties. This amino acid position is highly conserved in available vertebrate species. In addition, the in silico prediction for this alteration is inconclusive. Since supporting evidence is limited at this time, the clinical significance of this alteration remains unclear.